The following is an entry in ClinVar:

NM_001243133.2(NLRP3):c.632A>G (p.Asp211Gly)

Gene: NLRP3 (NLR family pyrin domain containing 3; plus strand). Cytogenetic location: 1q44.
Variant type: single nucleotide variant.
Coding change: c.632A>G on transcript NM_001243133.2 (MANE Select); coding-DNA position 632, A replaced by G.
Protein change: p.Asp211Gly; replaces aspartic acid 211 with glycine.
Molecular consequence: missense variant.
Genome position (GRCh38, 1-based): chr1:247,424,081, A>G. VCF-style: chr1-247424081-A-G. GRCh37 (hg19) VCF-style: chr1-247587383-A-G.
Other names: c.632A>G, p.Asp211Gly (NM_001079821.3, NM_001127461.3, NM_001127462.3 and 1 more transcripts); c.638A>G, p.Asp213Gly (NM_004895.5); short protein forms D213G, D211G.
Identifiers: ClinVar variation 1486219 (VCV001486219.8), dbSNP rs1338960862, ClinGen allele CA345555086.

ClinVar aggregate classification (germline): Uncertain significance (1 of 4 stars; one submission).

Conditions:
Cryopyrin associated periodic syndrome (CAPS). Identifiers: Orphanet 208650, MedGen C2316212, MONDO:0016168.

Allele frequency attached by ClinVar (database versions not stated): gnomAD exomes below 0.00001.
gnomAD v4.1: 2 of 1,614,030 alleles (0.00012%); highest among the groups gnomAD compares: South Asian, 0.0022%; no homozygotes.

Submission:

Labcorp Genetics (formerly Invitae), Labcorp
Classification: Uncertain significance for Cryopyrin associated periodic syndrome. Last evaluated: 2022-07-19. Review status: criteria provided, single submitter. Criteria: Invitae Variant Classification Sherloc (09022015). Collection method: clinical testing. Allele origin: germline.
Comment: This sequence change replaces aspartic acid, which is acidic and polar, with glycine, which is neutral and non-polar, at codon 213 of the NLRP3 protein (p.Asp213Gly). This variant is present in population databases (no rsID available, gnomAD 0.003%). This variant has not been reported in the literature in individuals affected with NLRP3-related conditions. ClinVar contains an entry for this variant (Variation ID: 1486219). Algorithms developed to predict the effect of missense changes on protein structure and function (SIFT, PolyPhen-2, Align-GVGD) all suggest that this variant is likely to be tolerated. Algorithms developed to predict the effect of sequence changes on RNA splicing suggest that this variant may create or strengthen a splice site. In summary, the available evidence is currently insufficient to determine the role of this variant in disease. Therefore, it has been classified as a Variant of Uncertain Significance.